The following is an entry in ClinVar:

ClinVar aggregate classification (germline): Uncertain significance (1 of 4 stars; one submission).

Conditions:
Bethlem myopathy 1A. Also called: MYOPATHY, BENIGN CONGENITAL, WITH CONTRACTURES; Bethlem Muscular Dystrophy; Bethlem myopathy 1. Identifiers: Orphanet 610, MedGen CN029274, MONDO:0024530, OMIM 158810.

Allele frequency attached by ClinVar (database versions not stated): gnomAD exomes below 0.00001 and 0.00001; TOPMed 0.00001; gnomAD 0.00002.
gnomAD v4.1: 12 of 1,613,940 alleles (0.00074%); highest among the groups gnomAD compares: African/African-American, 0.016%; no homozygotes.

Submission:

Labcorp Genetics (formerly Invitae), Labcorp
Classification: Uncertain significance for Bethlem myopathy 1A. Last evaluated: 2023-08-04. Review status: criteria provided, single submitter. Criteria: Invitae Variant Classification Sherloc (09022015). Collection method: clinical testing. Allele origin: germline.
Comment: This sequence change replaces isoleucine, which is neutral and non-polar, with threonine, which is neutral and polar, at codon 1665 of the COL6A3 protein (p.Ile1665Thr). This variant is present in population databases (no rsID available, gnomAD 0.008%). This variant has not been reported in the literature in individuals affected with COL6A3-related conditions. ClinVar contains an entry for this variant (Variation ID: 542971). Advanced modeling of protein sequence and biophysical properties (such as structural, functional, and spatial information, amino acid conservation, physicochemical variation, residue mobility, and thermodynamic stability) performed at Invitae indicates that this missense variant is expected to disrupt COL6A3 protein function. In summary, the available evidence is currently insufficient to determine the role of this variant in disease. Therefore, it has been classified as a Variant of Uncertain Significance.

NM_004369.4(COL6A3):c.4994T>C (p.Ile1665Thr)

Gene: COL6A3 (collagen type VI alpha 3 chain; minus strand). Cytogenetic location: 2q37.3.
Variant type: single nucleotide variant.
Coding change: c.4994T>C on transcript NM_004369.4 (MANE Select); coding-DNA position 4994, T replaced by C.
Protein change: p.Ile1665Thr; replaces isoleucine 1665 with threonine.
Molecular consequence: missense variant.
Genome position (GRCh38, 1-based): chr2:237,367,193, A>G on the plus strand (T>C on the coding strand, the complement: COL6A3 is on the minus strand). VCF-style: chr2-237367193-A-G. GRCh37 (hg19) VCF-style: chr2-238275836-A-G.
Other names: c.3173T>C, p.Ile1058Thr (NM_057166.5); c.4376T>C, p.Ile1459Thr (NM_057167.4); short protein forms I1665T, I1459T, I1058T.
Identifiers: ClinVar variation 542971 (VCV000542971.7), dbSNP rs1034783532, ClinGen allele CA67814705.